The following is an entry in ClinVar:

ClinVar aggregate classification (germline): Uncertain significance (1 of 4 stars; one submission).

Conditions:
Epilepsy, childhood absence, susceptibility to, 1. Also called: Epilepsy, childhood absence 1. Identifiers: Orphanet 64280, MedGen C1838604, MONDO:0020759, OMIM 600131.
Epilepsy, childhood absence, susceptibility to, 5. Identifiers: Orphanet 64280, MedGen C2677087, MONDO:0012843, OMIM 612269.

Allele frequency attached by ClinVar (database versions not stated): gnomAD exomes below 0.00001.
gnomAD v4.1: 2 of 1,614,076 alleles (0.00012%); highest among the groups gnomAD compares: South Asian, 0.0011%; no homozygotes.

Submission:

Labcorp Genetics (formerly Invitae), Labcorp
Classification: Uncertain significance for Epilepsy, childhood absence, susceptibility to, 5; Epilepsy, childhood absence, susceptibility to, 1. Last evaluated: 2023-11-17. Review status: criteria provided, single submitter. Criteria: Invitae Variant Classification Sherloc (09022015). Collection method: clinical testing. Allele origin: germline.
Comment: This sequence change replaces arginine, which is basic and polar, with tryptophan, which is neutral and slightly polar, at codon 429 of the GABRB3 protein (p.Arg429Trp). This variant is present in population databases (no rsID available, gnomAD 0.0009%). This variant has not been reported in the literature in individuals affected with GABRB3-related conditions. Advanced modeling of protein sequence and biophysical properties (such as structural, functional, and spatial information, amino acid conservation, physicochemical variation, residue mobility, and thermodynamic stability) has been performed at Invitae for this missense variant, however the output from this modeling did not meet the statistical confidence thresholds required to predict the impact of this variant on GABRB3 protein function. In summary, the available evidence is currently insufficient to determine the role of this variant in disease. Therefore, it has been classified as a Variant of Uncertain Significance.

NM_000814.6(GABRB3):c.1285C>T (p.Arg429Trp)

Gene: GABRB3 (gamma-aminobutyric acid type A receptor subunit beta3; minus strand). Cytogenetic location: 15q12.
Variant type: single nucleotide variant.
Coding change: c.1285C>T on transcript NM_000814.6 (MANE Select); coding-DNA position 1285, C replaced by T.
Protein change: p.Arg429Trp; replaces arginine 429 with tryptophan.
Molecular consequence: missense variant.
Genome position (GRCh38, 1-based): chr15:26,547,930, G>A on the plus strand (C>T on the coding strand, the complement: GABRB3 is on the minus strand). VCF-style: chr15-26547930-G-A. GRCh37 (hg19) VCF-style: chr15-26793077-G-A.
Other names: c.1030C>T, p.Arg344Trp (NM_001191320.2, NM_001278631.2); c.1072C>T, p.Arg358Trp (NM_001191321.3); c.1285C>T, p.Arg429Trp (NM_021912.5); short protein forms R344W, R358W, R429W.
Identifiers: ClinVar variation 2931557 (VCV002931557.3), dbSNP rs1432656203, ClinGen allele CA391458692.